The following is an entry in ClinVar:

NM_001379291.1(BRD4):c.2890C>G (p.Pro964Ala)

Gene: BRD4 (bromodomain containing 4; minus strand). Cytogenetic location: 19p13.12.
Variant type: single nucleotide variant.
Coding change: c.2890C>G on transcript NM_001379291.1 (MANE Select); coding-DNA position 2890, C replaced by G.
Protein change: p.Pro964Ala; replaces proline 964 with alanine.
Molecular consequence: missense variant.
Genome position (GRCh38, 1-based): chr19:15,243,179, G>C on the plus strand (C>G on the coding strand, the complement: BRD4 is on the minus strand). VCF-style: chr19-15243179-G-C. GRCh37 (hg19) VCF-style: chr19-15353990-G-C.
Other names: c.2890C>G, p.Pro964Ala (NM_058243.3); short protein forms P964A.
Identifiers: ClinVar variation 3677533 (VCV003677533.2).

ClinVar aggregate classification (germline): Uncertain significance (1 of 4 stars; one submission).

Submission:

Labcorp Genetics (formerly Invitae), Labcorp
Classification: Uncertain significance. Last evaluated: 2024-10-17. Review status: criteria provided, single submitter. Criteria: Invitae Variant Classification Sherloc (09022015). Collection method: clinical testing. Allele origin: germline.
Comment: This sequence change replaces proline, which is neutral and non-polar, with alanine, which is neutral and non-polar, at codon 964 of the BRD4 protein (p.Pro964Ala). This variant is not present in population databases (gnomAD no frequency). This variant has not been reported in the literature in individuals affected with BRD4-related conditions. An algorithm developed to predict the effect of missense changes on protein structure and function (PolyPhen-2) suggests that this variant is likely to be disruptive. In summary, the available evidence is currently insufficient to determine the role of this variant in disease. Therefore, it has been classified as a Variant of Uncertain Significance.